The following is an entry in ClinVar:

ClinVar aggregate classification (germline): Likely pathogenic (1 of 4 stars; one submission).

Submission:

GeneDx
Classification: Likely pathogenic. Last evaluated: 2019-07-08. Review status: criteria provided, single submitter. Criteria: GeneDx Variant Classification Process June 2021. Collection method: clinical testing. Allele origin: germline. Affected: yes.
Comment: Has not been previously published as pathogenic or benign to our knowledge; Frameshift variant predicted to result in protein truncation or nonsense mediated decay in a gene for which loss-of-function is a known mechanism of disease; Not observed in large population cohorts (Lek et al., 2016)

NM_004525.3(LRP2):c.11245_11246del (p.Ser3749fs)

Gene: LRP2 (LDL receptor related protein 2; minus strand). Cytogenetic location: 2q31.1.
Variant type: Deletion.
Coding change: c.11245_11246del on transcript NM_004525.3 (MANE Select); coding-DNA positions 11245 to 11246, 2 bases deleted (TC; older notation c.11245_11246delTC).
Protein change: p.Ser3749fs; shifts the reading frame from serine 3749.
Molecular consequence: frameshift variant.
Genome position (GRCh38, 1-based): chr2:169,172,032-169,172,033, GA deleted on the plus strand (TC on the coding strand, the reverse complement: LRP2 is on the minus strand); deleting any 2 consecutive bases within chr2:169,172,032-169,172,034 gives the same sequence; the c. name uses the placement nearest the transcript's 3' end. VCF-style (leftmost placement, unchanged base first): chr2-169172031-TGA-T. GRCh37 (hg19) VCF-style: chr2-170028541-TGA-T.
Other names: short protein forms S3749fs.
Identifiers: ClinVar variation 1210611 (VCV001210611.3), dbSNP rs2105278575, ClinGen allele CA2499215243.
Genomic context (GRCh38, chr2:169,172,031, plus strand): 5'-CAGCTCTGGTGGTATATAAGGACCATAGGACTGTGAACACTCACCACAGTTTTCCTCATC[TGA>T]GTTATCTCCACAGTCATTTTGCCCATCACACTGCCAACGAAGAGGGATGCAGTGGTGATT-3'